The following is an entry in ClinVar:

ClinVar aggregate classification (germline): Conflicting classifications of pathogenicity. Review status: criteria provided, conflicting classifications (1 of 4 stars). 6 submissions from 6 submitters: Uncertain significance (1); Likely benign (5). Last evaluated 2025-07-24.

Conditions:
Charcot-Marie-Tooth disease type 4. Also called: Charcot-Marie-Tooth disease, type IV; Charcot-Marie-Tooth, Type 4. Identifiers: Orphanet 64749, MedGen C4082197, MONDO:0018995.
Charcot-Marie-Tooth disease type 4D. Also called: CHARCOT-MARIE-TOOTH DISEASE, DEMYELINATING, TYPE 4D; CHARCOT-MARIE-TOOTH DISEASE, DEMYELINATING, AUTOSOMAL RECESSIVE, TYPE 4D; NEUROPATHY, HEREDITARY MOTOR AND SENSORY, LOM TYPE; Charcot-Marie-Tooth Neuropathy Type 4D. Identifiers: Orphanet 99950, MedGen C1832334, MONDO:0011085, OMIM 601455.
Inborn genetic diseases. Identifiers: MedGen C0950123, MeSH D030342.
NDRG1-related disorder. Also called: NDRG1-related condition.

Allele frequency attached by ClinVar (database versions not stated): gnomAD 0.00004; TOPMed 0.00004; gnomAD exomes 0.00006 and 0.00009; ExAC 0.00028.
gnomAD v4.1: 93 of 1,558,454 alleles (0.006%); highest among the groups gnomAD compares: Middle Eastern, 0.07%; no homozygotes.

Submissions (6):

PreventionGenetics, part of Exact Sciences
Classification: Likely benign for NDRG1-related condition. Last evaluated: 2025-07-24. Review status: criteria provided, single submitter. Criteria: ACMG Guidelines, 2015. Collection method: clinical testing. Allele origin: germline.
Comment: This variant is classified as likely benign based on ACMG/AMP sequence variant interpretation guidelines (Richards et al. 2015 PMID: 25741868, with internal and published modifications).

Labcorp Genetics (formerly Invitae), Labcorp
Classification: Likely benign for Charcot-Marie-Tooth disease type 4. Last evaluated: 2025-03-24. Review status: criteria provided, single submitter. Criteria: Invitae Variant Classification Sherloc (09022015). Collection method: clinical testing. Allele origin: germline.

Blueprint Genetics
Classification: Likely benign. Last evaluated: 2023-06-26. Review status: criteria provided, single submitter. Criteria: ACMG Guidelines, 2015. Collection method: clinical testing. Allele origin: germline.

GeneDx
Classification: Likely benign. Last evaluated: 2019-11-15. Review status: criteria provided, single submitter. Criteria: GeneDx Variant Classification Process June 2021. Collection method: clinical testing. Allele origin: germline. Affected: yes.

Ambry Genetics
Classification: Likely benign for Inborn genetic diseases. Last evaluated: 2019-07-11. Review status: criteria provided, single submitter. Criteria: Ambry Variant Classification Scheme 2023. Collection method: clinical testing. Allele origin: germline.

Illumina Laboratory Services, Illumina
Classification: Uncertain significance for Charcot-Marie-Tooth disease type 4D. Last evaluated: 2018-01-13. Review status: criteria provided, single submitter. Criteria: ICSL Variant Classification Criteria 13 December 2019. Collection method: clinical testing. Allele origin: germline.

NM_006096.4(NDRG1):c.1155C>T (p.Ala385=)

Gene: NDRG1 (N-myc downstream regulated 1; minus strand). Cytogenetic location: 8q24.22.
Variant type: single nucleotide variant.
Coding change: c.1155C>T on transcript NM_006096.4 (MANE Select); coding-DNA position 1155, C replaced by T.
Protein change: p.Ala385=; no amino-acid change (alanine 385 retained).
Molecular consequence: synonymous variant.
Genome position (GRCh38, 1-based): chr8:133,238,908, G>A on the plus strand (C>T on the coding strand, the complement: NDRG1 is on the minus strand). VCF-style: chr8-133238908-G-A. GRCh37 (hg19) VCF-style: chr8-134251151-G-A.
Other names: c.1155C>T, p.Ala385= (NM_001135242.2, NM_001374845.1, NM_001374846.1); c.957C>T, p.Ala319= (NM_001258432.2, NM_001374847.1); c.912C>T, p.Ala304= (NM_001258433.2); c.1206C>T, p.Ala402= (NM_001374844.1).
Identifiers: ClinVar variation 516372 (VCV000516372.22), dbSNP rs774605205, ClinGen allele CA4886408.